The following is an entry in ClinVar:

NM_004370.6(COL12A1):c.3151G>C (p.Val1051Leu)

Gene: COL12A1 (collagen type XII alpha 1 chain; minus strand). Cytogenetic location: 6q13.
Variant type: single nucleotide variant.
Coding change: c.3151G>C on transcript NM_004370.6 (MANE Select); coding-DNA position 3151, G replaced by C.
Protein change: p.Val1051Leu; replaces valine 1051 with leucine.
Molecular consequence: missense variant. On other transcripts: intron variant (1).
Genome position (GRCh38, 1-based): chr6:75,156,356, C>G on the plus strand (G>C on the coding strand, the complement: COL12A1 is on the minus strand). VCF-style: chr6-75156356-C-G. GRCh37 (hg19) VCF-style: chr6-75866072-C-G.
Other names: c.74-3874G>C (NM_080645.3); short protein forms V1051L.
Identifiers: ClinVar variation 661281 (VCV000661281.38), dbSNP rs374540275, ClinGen allele CA3893792.
Genomic context (GRCh38, chr6:75,156,356, plus strand): 5'-TCTTGTAAATAGGAAGAACTGTGATGTCATATGTGGTCTGTGGCTGAAGTCGCTTTAACA[C>G]TGTCGAAGTGACTGTGGGGGGCACCTTAGCAACCATTTGCTTCCCTCTCCCATGAGGGCG-3'
Protein context (NP_004361.3, residues 1041-1061): AKVPPTVTST[Val1051Leu]LKRLQPQTTY

ClinVar aggregate classification (germline): Conflicting classifications of pathogenicity. Review status: criteria provided, conflicting classifications (1 of 4 stars). 6 submissions from 6 submitters: Uncertain significance (4); Likely benign (2). Last evaluated 2025-11-01.

Conditions:
COL12A1-related disorder. Also called: COL12A1-related condition.
Ullrich congenital muscular dystrophy 2 (UCMD2). Identifiers: Orphanet 75840, MedGen C4225314, MONDO:0014654, OMIM 616470.
Bethlem myopathy 2 (BTHLM2). Identifiers: Orphanet 536516, Orphanet 610, MedGen C4225313, MONDO:0034022, OMIM 616471.

Allele frequency attached by ClinVar (database versions not stated): gnomAD 0.00002 and 0.00003; gnomAD exomes 0.00003 and 0.00006; ExAC 0.00006; ESP Exome Variant Server 0.00008; TOPMed 0.00008.

Submissions (6):

CeGaT Center for Human Genetics Tuebingen
Classification: Uncertain significance. Last evaluated: 2025-11-01. Review status: criteria provided, single submitter. Criteria: CeGaT Center For Human Genetics Tuebingen Variant Classification Criteria Version 2. Collection method: clinical testing. Allele origin: germline. Affected: yes. Observed: 3 variant alleles.
Comment: COL12A1: PM2

PreventionGenetics, part of Exact Sciences
Classification: Uncertain significance for COL12A1-related condition. Last evaluated: 2025-10-25. Review status: criteria provided, single submitter. Criteria: ACMG Guidelines, 2015. Collection method: clinical testing. Allele origin: germline.
Comment: The COL12A1 c.3151G>C variant is predicted to result in the amino acid substitution p.Val1051Leu. To our knowledge, this variant has not been reported in the literature. This variant is reported in 0.0088% of alleles in individuals of European (Non-Finnish) descent in gnomAD. At this time, the clinical significance of this variant is uncertain due to the absence of conclusive functional and genetic evidence.

Labcorp Genetics (formerly Invitae), Labcorp
Classification: Likely benign for Bethlem myopathy 2; Ullrich congenital muscular dystrophy 2. Last evaluated: 2025-07-05. Review status: criteria provided, single submitter. Criteria: Invitae Variant Classification Sherloc (09022015). Collection method: clinical testing. Allele origin: germline.

GeneDx
Classification: Uncertain significance. Last evaluated: 2025-02-21. Review status: criteria provided, single submitter. Criteria: GeneDx Variant Classification Process June 2021. Collection method: clinical testing. Allele origin: germline. Affected: yes.
Comment: Has not been previously published as pathogenic or benign to our knowledge; In silico analysis indicates that this missense variant does not alter protein structure/function

Revvity Omics, Revvity
Classification: Likely benign. Last evaluated: 2024-11-04. Review status: criteria provided, single submitter. Criteria: ACMG Guidelines, 2015. Collection method: clinical testing. Allele origin: germline.

Kariminejad - Najmabadi Pathology & Genetics Center
Classification: Uncertain significance. Last evaluated: 2022-06-23. Review status: criteria provided, single submitter. Criteria: ACMG Guidelines, 2015. Collection method: clinical testing. Allele origin: germline. Inheritance: Autosomal dominant inheritance. Affected: yes.
Comment: PM2, PP2